The following is an entry in ClinVar:

NM_001852.4(COL9A2):c.304-14C>T

Gene: COL9A2 (collagen type IX alpha 2 chain; minus strand). Cytogenetic location: 1p34.2.
Variant type: single nucleotide variant.
Coding change: c.304-14C>T on transcript NM_001852.4 (MANE Select); 14 bases into the intron before coding-DNA position 304, C replaced by T.
Molecular consequence: intron variant.
Genome position (GRCh38, 1-based): chr1:40,312,623, G>A on the plus strand (C>T on the coding strand, the complement: COL9A2 is on the minus strand). VCF-style: chr1-40312623-G-A. GRCh37 (hg19) VCF-style: chr1-40778295-G-A.
Identifiers: ClinVar variation 258386 (VCV000258386.15), dbSNP rs180908956, ClinGen allele CA792024.
Genomic context (GRCh38, chr1:40,312,623, plus strand): 5'-GTTGTACTCACCGGAAGGCCAGGAGGACCAGGAAGCCCGGGCTGGCCCTGCAGAAGCAAC[G>A]AGAAAGGCTCAGAGGCTGGGGTTTCCCCGGCTCCTACTTCCTCTCTACAGCCACTCCCAA-3'

ClinVar aggregate classification (germline): Likely benign. Review status: criteria provided, multiple submitters, no conflicts (2 of 4 stars). 5 submissions from 5 submitters: Likely benign (5). Last evaluated 2026-01-26.

Conditions:
Epiphyseal dysplasia, multiple, 2 (EDM2). Also called: COL9A2-Related Multiple Epiphyseal Dysplasia. Identifiers: MedGen C1838429, MONDO:0010844, OMIM 600204.

Allele frequency attached by ClinVar (database versions not stated): ExAC 0.00030; gnomAD 0.00052 and 0.00054; TOPMed 0.00053; ESP Exome Variant Server 0.00054; 1000 Genomes Project 30x 0.00094; 1000 Genomes Project 0.00100.
gnomAD v4.1: 549 of 1,613,778 alleles (0.034%); highest among the groups gnomAD compares: African/African-American, 0.13%; 1 homozygote.

Submissions (5):

Labcorp Genetics (formerly Invitae), Labcorp
Classification: Likely benign. Last evaluated: 2026-01-26. Review status: criteria provided, single submitter. Criteria: Invitae Variant Classification Sherloc (09022015). Collection method: clinical testing. Allele origin: germline.

Blueprint Genetics
Classification: Likely benign. Last evaluated: 2024-10-23. Review status: criteria provided, single submitter. Criteria: ACMG Guidelines, 2015. Collection method: clinical testing. Allele origin: germline.

Illumina Laboratory Services, Illumina
Classification: Likely benign for Epiphyseal dysplasia, multiple, 2. Last evaluated: 2018-01-13. Review status: criteria provided, single submitter. Criteria: ICSL Variant Classification Criteria 13 December 2019. Collection method: clinical testing. Allele origin: germline.
Comment: This variant was observed in the ICSL laboratory as part of a predisposition screen in an ostensibly healthy population. It had not been previously curated by ICSL or reported in the Human Gene Mutation Database (HGMD: prior to June 1st, 2018), and was therefore a candidate for classification through an automated scoring system. Utilizing variant allele frequency, disease prevalence and penetrance estimates, and inheritance mode, an automated score was calculated to assess if this variant is too frequent to cause the disease. Based on the score and internal cut-off values, a variant classified as likely benign is not then subjected to further curation. The score for this variant resulted in a classification of likely benign for this disease.

GeneDx
Classification: Likely benign. Last evaluated: 2017-04-06. Review status: criteria provided, single submitter. Criteria: GeneDx Variant Classification (06012015). Collection method: clinical testing. Allele origin: germline. Affected: yes.
Comment: This variant is considered likely benign or benign based on one or more of the following criteria: it is a conservative change, it occurs at a poorly conserved position in the protein, it is predicted to be benign by multiple in silico algorithms, and/or has population frequency not consistent with disease.

PreventionGenetics, part of Exact Sciences
Classification: Likely benign. Review status: criteria provided, single submitter. Criteria: ACMG Guidelines, 2015. Collection method: clinical testing. Allele origin: germline.